The following is an entry in ClinVar:

NM_007294.4(BRCA1):c.4119G>T (p.Glu1373Asp)

Gene: BRCA1 (BRCA1 DNA repair associated; minus strand). Cytogenetic location: 17q21.31.
Variant type: single nucleotide variant.
Coding change: c.4119G>T on transcript NM_007294.4 (MANE Select); coding-DNA position 4119, G replaced by T.
Protein change: p.Glu1373Asp; replaces glutamic acid 1373 with aspartic acid.
Molecular consequence: missense variant.
Genome position (GRCh38, 1-based): chr17:43,091,010, C>A on the plus strand (G>T on the coding strand, the complement: BRCA1 is on the minus strand). VCF-style: chr17-43091010-C-A. GRCh37 (hg19) VCF-style: chr17-41243027-C-A.
Other names: c.3975G>T, p.Glu1325Asp (NM_001407747.1, NM_001407748.1, NM_001407749.1 and 20 more transcripts); c.3978G>T, p.Glu1326Asp (NM_001407750.1, NM_001407751.1, NM_001407752.1 and 29 more transcripts); c.3906G>T, p.Glu1302Asp (NM_001407571.1, NM_001407853.1, NM_001407894.1 and 9 more transcripts); c.4119G>T, p.Glu1373Asp (NM_001407581.1, NM_001407598.1, NM_001407602.1 and 30 more transcripts); c.4116G>T, p.Glu1372Asp (NM_001407610.1, NM_001407611.1, NM_001407612.1 and 22 more transcripts); c.4110G>T, p.Glu1370Asp (NM_001407646.1, NM_001407647.1); c.3996G>T, p.Glu1332Asp (NM_001407648.1, NM_001407664.1, NM_001407665.1 and 19 more transcripts); c.3993G>T, p.Glu1331Asp (NM_001407649.1, NM_001407670.1, NM_001407671.1 and 11 more transcripts); and 41 more; short protein forms E102D, E1077D, E1205D, E1245D, E1246D, E1261D, E1262D, E1284D.
Identifiers: ClinVar variation 4856582 (VCV004856582.1).

ClinVar aggregate classification (germline): Likely benign (1 of 4 stars; one submission).

Conditions:
Breast-ovarian cancer, familial, susceptibility to, 1 (BROVCA1). Also called: OVARIAN CANCER, SUSCEPTIBILITY TO; BRCA1 Hereditary Breast and Ovarian Cancer. Identifiers: Orphanet 145, MedGen C2676676, MONDO:0011450, OMIM 604370. Disease mechanism: loss of function.

gnomAD v4.1: 1 of 1,612,898 alleles (0.000062%); highest among the groups gnomAD compares: Non-Finnish European, 0.000085%; no homozygotes.

Submission:

Cancer Bioinformatics and Tumour Evolution Laboratory, Monash University
Classification: Likely benign for Breast-ovarian cancer, familial, susceptibility to, 1. Last evaluated: 2026-05-01. Review status: criteria provided, single submitter. Criteria: ClinGen BRCA1 and BRCA2 Guidelines, 2024. Collection method: curation. Allele origin: germline. Inheritance: Autosomal dominant inheritance.
Comment: Missense variant outside of a functional domain with no splice impact. BRCA1 and BRCA2 VCEP guidelines recommend application of BP1_Strong (PMID: 39142283)